The following is an entry in ClinVar:

ClinVar aggregate classification (germline): Pathogenic (1 of 4 stars; one submission).

Conditions:
Usher syndrome type 2A. Also called: USHER SYNDROME, TYPE IIA; RETINAL DISEASE IN USHER SYNDROME TYPE IIA, MODIFIER OF. Identifiers: Orphanet 231178, Orphanet 886, MedGen C1848634, MONDO:0010169, OMIM 276901.
Retinitis pigmentosa 39 (RP39). Identifiers: Orphanet 791, MedGen C3151138, MONDO:0013436, OMIM 613809.

Submission:

Juno Genomics, Hangzhou Juno Genomics, Inc
Classification: Pathogenic for Retinitis pigmentosa 39; Usher syndrome type 2A. Review status: criteria provided, single submitter. Criteria: ACMG Guidelines, 2015. Collection method: clinical testing. Allele origin: germline. Affected: yes.
Comment: Absent from controls (or at extremely low frequency if recessive) in Genome Aggregation Database, Exome Sequencing Project, 1000 Genomes Project, or Exome Aggregation Consortium.;Null variant in a gene where loss of function (LOF) is a known mechanism of disease.;For recessive disorders, detected in trans with a pathogenic variant.

NM_206933.4(USH2A):c.9145del (p.Val3049fs)

Gene: USH2A (usherin; minus strand). Cytogenetic location: 1q41.
Variant type: Deletion.
Coding change: c.9145del on transcript NM_206933.4 (MANE Select); coding-DNA position 9145, one base deleted (G; older notation c.9145delG).
Protein change: p.Val3049fs; shifts the reading frame from valine 3049.
Molecular consequence: frameshift variant.
Genome position (GRCh38, 1-based): chr1:215,844,407, C deleted on the plus strand (G on the coding strand, the reverse complement: USH2A is on the minus strand). VCF-style (leftmost placement, unchanged base first): chr1-215844406-AC-A. GRCh37 (hg19) VCF-style: chr1-216017748-AC-A.
Other names: short protein forms V3049fs.
Identifiers: ClinVar variation 3764661 (VCV003764661.2).
Genomic context (GRCh38, chr1:215,844,406, plus strand): 5'-GGCACATTCATTCCAGTCTTGTAGAGCTTATTATTTACATAGATAGAATACTCAGTGACA[AC>A]ACCATTTGGGTTTGAAGGAGATGTCCAGATGACACGTACAGCTGTACTGTTGATGATGAC-3'